The following is an entry in ClinVar:

NM_018063.5(HELLS):c.2275T>A (p.Leu759Ile)

Gene: HELLS (helicase, lymphoid specific; plus strand). Cytogenetic location: 10q23.33.
Variant type: single nucleotide variant.
Coding change: c.2275T>A on transcript NM_018063.5 (MANE Select); coding-DNA position 2275, T replaced by A.
Protein change: p.Leu759Ile; replaces leucine 759 with isoleucine.
Molecular consequence: missense variant.
Genome position (GRCh38, 1-based): chr10:94,596,886, T>A. VCF-style: chr10-94596886-T-A. GRCh37 (hg19) VCF-style: chr10-96356643-T-A.
Other names: c.2413T>A, p.Leu805Ile (NM_001289067.2); c.2227T>A, p.Leu743Ile (NM_001289068.2); c.2179T>A, p.Leu727Ile (NM_001289069.2); c.1981T>A, p.Leu661Ile (NM_001289070.2); c.1903T>A, p.Leu635Ile (NM_001289071.2); c.1885T>A, p.Leu629Ile (NM_001289072.2); c.1861T>A, p.Leu621Ile (NM_001289073.2); c.1192T>A, p.Leu398Ile (NM_001289074.2); and 1 more; short protein forms L661I, L759I, L353I, L629I, L743I, L805I, L398I, L635I.
Identifiers: ClinVar variation 1433765 (VCV001433765.6), dbSNP rs1283265967, ClinGen allele CA377668554.
Genomic context (GRCh38, chr10:94,596,886, plus strand): 5'-AATTTTAATGTTTTTAATTTCTCATTTTTTTTAGATCATTTCAAAGGTGGTCAGTCTGGA[T>A]TAAATCTGTCTAAGAATTTCTTAGATCCTAAGGAATTAATGGAATTATTAAAATCTAGAG-3'
Protein context (NP_060533.2, residues 749-769): KNHFKGGQSG[Leu759Ile]NLSKNFLDPK

ClinVar aggregate classification (germline): Uncertain significance (1 of 4 stars; one submission).

Allele frequency attached by ClinVar (database versions not stated): gnomAD exomes 0.00001; TOPMed 0.00002; gnomAD 0.00004.
gnomAD v4.1: 21 of 1,504,258 alleles (0.0014%); highest among the groups gnomAD compares: Non-Finnish European, 0.0019%; no homozygotes.

Submission:

Labcorp Genetics (formerly Invitae), Labcorp
Classification: Uncertain significance. Last evaluated: 2022-06-13. Review status: criteria provided, single submitter. Criteria: Invitae Variant Classification Sherloc (09022015). Collection method: clinical testing. Allele origin: germline.
Comment: In summary, the available evidence is currently insufficient to determine the role of this variant in disease. Therefore, it has been classified as a Variant of Uncertain Significance. Algorithms developed to predict the effect of missense changes on protein structure and function (SIFT, PolyPhen-2, Align-GVGD) all suggest that this variant is likely to be tolerated. This variant has not been reported in the literature in individuals affected with HELLS-related conditions. This variant is present in population databases (no rsID available, gnomAD 0.004%). This sequence change replaces leucine, which is neutral and non-polar, with isoleucine, which is neutral and non-polar, at codon 759 of the HELLS protein (p.Leu759Ile).